The following is an entry in ClinVar:

NM_001005242.3(PKP2):c.1791C>A (p.Asn597Lys)

Gene: PKP2 (plakophilin 2; minus strand). Cytogenetic location: 12p11.21.
Variant type: single nucleotide variant.
Coding change: c.1791C>A on transcript NM_001005242.3 (MANE Select); coding-DNA position 1791, C replaced by A.
Protein change: p.Asn597Lys; replaces asparagine 597 with lysine.
Molecular consequence: missense variant. On other transcripts: intron variant (1).
Genome position (GRCh38, 1-based): chr12:32,822,515, G>T on the plus strand (C>A on the coding strand, the complement: PKP2 is on the minus strand). VCF-style: chr12-32822515-G-T. GRCh37 (hg19) VCF-style: chr12-32975449-G-T.
Other names: c.1791C>A, p.Asn597Lys (NM_001407155.1, NM_001407161.1); c.1923C>A, p.Asn641Lys (NM_001407157.1, NM_004572.4); c.1464C>A, p.Asn488Lys (NM_001407158.1, NM_001407159.1, NM_001407160.1 and 1 more transcripts); c.1675-986C>A (NM_001407156.1); short protein forms N597K, N488K, N641K.
Identifiers: ClinVar variation 2774086 (VCV002774086.2), dbSNP rs1270868498, ClinGen allele CA384362843.

ClinVar aggregate classification (germline): Uncertain significance (1 of 4 stars; one submission).

Conditions:
Cardiomyopathy (CMYO). Also called: Cardiomyopathies. Identifiers: Orphanet 167848, MedGen C0878544, MONDO:0004994, HP:0001638. Inheritance: Various modes of inheritance.

Submission:

Color Diagnostics, LLC DBA Color Health
Classification: Uncertain significance for Cardiomyopathy. Last evaluated: 2024-03-06. Review status: criteria provided, single submitter. Criteria: ACMG Guidelines, 2015. Collection method: clinical testing. Allele origin: germline.
Comment: This missense variant replaces asparagine with lysine at codon 641 of the PKP2 protein. Computational prediction suggests that this variant may not impact protein structure and function (internally defined REVEL score threshold <= 0.5, PMID: 27666373). To our knowledge, functional studies have not been reported for this variant. This variant has not been reported in individuals affected with cardiovascular disorders in the literature. This variant has not been identified in the general population by the Genome Aggregation Database (gnomAD). The available evidence is insufficient to determine the role of this variant in disease conclusively. Therefore, this variant is classified as a Variant of Uncertain Significance.